The following is an entry in ClinVar:

ClinVar aggregate classification (germline): Uncertain significance (1 of 4 stars; one submission).

gnomAD v4.1: 3 of 1,614,112 alleles (0.00019%); highest among the groups gnomAD compares: Non-Finnish European, 0.00025%; no homozygotes.

Submission:

Women's Health and Genetics/Laboratory Corporation of America, LabCorp
Classification: Uncertain significance. Last evaluated: 2024-12-16. Review status: criteria provided, single submitter. Criteria: LabCorp Variant Classification Summary - May 2015. Collection method: clinical testing. Allele origin: germline.
Comment: Variant summary: ASH1L c.5326A>G (p.Asn1776Asp) results in a conservative amino acid change in the encoded protein sequence. Five of five in-silico tools predict a benign effect of the variant on protein function. The variant was absent in 251488 control chromosomes. The available data on variant occurrences in the general population are insufficient to allow any conclusion about variant significance. To our knowledge, no occurrence of c.5326A>G in individuals affected with Intellectual Disability, Autosomal Dominant 52 and no experimental evidence demonstrating its impact on protein function have been reported. No submitters have cited clinical-significance assessments for this variant to ClinVar. Based on the evidence outlined above, the variant was classified as uncertain significance.

NM_018489.3(ASH1L):c.5326A>G (p.Asn1776Asp)

Gene: ASH1L (ASH1 like histone lysine methyltransferase; minus strand). Cytogenetic location: 1q22.
Variant type: single nucleotide variant.
Coding change: c.5326A>G on transcript NM_018489.3 (MANE Select); coding-DNA position 5326, A replaced by G.
Protein change: p.Asn1776Asp; replaces asparagine 1776 with aspartic acid.
Molecular consequence: missense variant.
Genome position (GRCh38, 1-based): chr1:155,438,829, T>C on the plus strand (A>G on the coding strand, the complement: ASH1L is on the minus strand). VCF-style: chr1-155438829-T-C. GRCh37 (hg19) VCF-style: chr1-155408620-T-C.
Other names: c.5326A>G, p.Asn1776Asp (NM_001366177.2); short protein forms N1776D.
Identifiers: ClinVar variation 3768044 (VCV003768044.1).